The following is an entry in ClinVar:

NM_004360.5(CDH1):c.1032G>A (p.Val344=)

Gene: CDH1 (cadherin 1; plus strand). Cytogenetic location: 16q22.1.
Variant type: single nucleotide variant.
Coding change: c.1032G>A on transcript NM_004360.5 (MANE Select); coding-DNA position 1032, G replaced by A.
Protein change: p.Val344=; no amino-acid change (valine 344 retained).
Molecular consequence: synonymous variant. On other transcripts: 5 prime UTR variant (2).
Genome position (GRCh38, 1-based): chr16:68,812,158, G>A. VCF-style: chr16-68812158-G-A. GRCh37 (hg19) VCF-style: chr16-68846061-G-A.
Other names: c.1032G>A, p.Val344= (NM_001317184.2); c.-584G>A (NM_001317185.2); c.-788G>A (NM_001317186.2).
Identifiers: ClinVar variation 1058313 (VCV001058313.11), dbSNP rs2152132524, ClinGen allele CA496153016.

ClinVar aggregate classification (germline): Conflicting classifications of pathogenicity. Review status: criteria provided, conflicting classifications (1 of 4 stars). 4 submissions from 4 submitters: Uncertain significance (1); Benign (1); Likely benign (2). Last evaluated 2024-09-17.

Conditions:
Hereditary diffuse gastric adenocarcinoma (HDGC). Also called: DIFFUSE GASTRIC AND LOBULAR BREAST CANCER SYNDROME. Identifiers: Orphanet 26106, MedGen C1708349, MONDO:0007648, OMIM 137215.
Hereditary cancer-predisposing syndrome. Also called: Tumor predisposition; Neoplastic Syndromes, Hereditary; Hereditary Cancer Syndrome; Hereditary neoplastic syndrome. Identifiers: Orphanet 140162, MedGen C0027672, MeSH D009386, MONDO:0015356.

Submissions (4):

Myriad Genetics, Inc.
Classification: Benign for Hereditary diffuse gastric adenocarcinoma. Last evaluated: 2024-09-17. Review status: criteria provided, single submitter. Criteria: Myriad Autosomal Dominant, Autosomal Recessive and X-Linked Classification Criteria (2023). Collection method: clinical testing. Allele origin: unknown.
Comment: This variant is considered benign. This variant is a silent/synonymous amino acid change and it is not expected to impact splicing.

Labcorp Genetics (formerly Invitae), Labcorp
Classification: Likely benign for Hereditary diffuse gastric adenocarcinoma. Last evaluated: 2024-05-26. Review status: criteria provided, single submitter. Criteria: Invitae Variant Classification Sherloc (09022015). Collection method: clinical testing. Allele origin: germline.

Ambry Genetics
Classification: Likely benign for Hereditary cancer-predisposing syndrome. Last evaluated: 2021-09-01. Review status: criteria provided, single submitter. Criteria: Ambry Variant Classification Scheme 2023. Collection method: clinical testing. Allele origin: germline.

Sema4
Classification: Uncertain significance for Hereditary cancer-predisposing syndrome. Last evaluated: 2021-07-22. Review status: criteria provided, single submitter. Criteria: Sema4 Curation Guidelines. Collection method: curation. Allele origin: germline.
Comment: To the best of our knowledge, the CDH1 c.1032G>A (p.V344=) variant has not been reported in individuals with CDH1-related disease. This variant is not reported in the population database Genome Aggregation Database (PMID: 32461654) but has been reported in ClinVar (Variation ID: 1058313). In silico tools suggest the variant may create a cryptic acceptor splice site, though these predictions have not been confirmed by functional studies. Based on the current evidence available, this variant is interpreted as a variant of uncertain significance.